The following is an entry in ClinVar:

ClinVar aggregate classification (germline): Uncertain significance (1 of 4 stars; one submission).

Allele frequency attached by ClinVar (database versions not stated): gnomAD 0.00001 and 0.00003; ExAC 0.00002; TOPMed 0.00002.
gnomAD v4.1: 23 of 1,611,118 alleles (0.0014%); highest among the groups gnomAD compares: South Asian, 0.017%; no homozygotes.

Submission:

Labcorp Genetics (formerly Invitae), Labcorp
Classification: Uncertain significance. Last evaluated: 2022-08-09. Review status: criteria provided, single submitter. Criteria: Invitae Variant Classification Sherloc (09022015). Collection method: clinical testing. Allele origin: germline.
Comment: Algorithms developed to predict the effect of sequence changes on RNA splicing suggest that this variant may disrupt the consensus splice site. In summary, the available evidence is currently insufficient to determine the role of this variant in disease. Therefore, it has been classified as a Variant of Uncertain Significance. ClinVar contains an entry for this variant (Variation ID: 1479722). This variant has not been reported in the literature in individuals affected with CRAT-related conditions. This variant is present in population databases (rs767404137, gnomAD 0.01%). This sequence change affects a donor splice site in intron 8 of the CRAT gene. It is expected to disrupt RNA splicing. Variants that disrupt the donor or acceptor splice site typically lead to a loss of protein function (PMID: 16199547), however the current clinical and genetic evidence is not sufficient to establish whether loss-of-function variants in CRAT cause disease.

Literature cited by the submitters: PubMed 16199547.

NM_000755.5(CRAT):c.1085+1G>A

Gene: CRAT (carnitine O-acetyltransferase; minus strand). Cytogenetic location: 9q34.11.
Variant type: single nucleotide variant.
Coding change: c.1085+1G>A on transcript NM_000755.5 (MANE Select); the canonical splice donor site of the intron after coding-DNA position 1085, G replaced by A.
Molecular consequence: splice donor variant.
Genome position (GRCh38, 1-based): chr9:129,099,865, C>T on the plus strand (G>A on the coding strand, the complement: CRAT is on the minus strand). VCF-style: chr9-129099865-C-T. GRCh37 (hg19) VCF-style: chr9-131862144-C-T.
Other names: c.965+1G>A (NM_001346549.2); c.1085+1G>A (NM_001346547.2); c.1022+1G>A (NM_001346548.2, NM_001257363.3, NM_004003.4); c.1088+1G>A (NM_001346546.2).
Identifiers: ClinVar variation 1479722 (VCV001479722.6), dbSNP rs767404137, ClinGen allele CA5275509.